The following is an entry in ClinVar:

ClinVar aggregate classification (germline): Uncertain significance. Review status: criteria provided, multiple submitters, no conflicts (2 of 4 stars). 3 submissions from 3 submitters: Uncertain significance (3). Last evaluated 2025-10-23.

Conditions:
Inborn genetic diseases. Identifiers: MedGen C0950123, MeSH D030342.

gnomAD v4.1: 42 of 1,614,072 alleles (0.0026%); highest among the groups gnomAD compares: Middle Eastern, 0.016%; no homozygotes.

Submissions (3):

Mayo Clinic Laboratories, Mayo Clinic
Classification: Uncertain significance. Last evaluated: 2025-10-23. Review status: criteria provided, single submitter. Criteria: ACMG Guidelines, 2015. Collection method: clinical testing. Allele origin: germline. Observed: 1 variant allele.
Comment: PP3, PM2_supporting

Ambry Genetics
Classification: Uncertain significance for Inborn genetic diseases. Last evaluated: 2025-01-29. Review status: criteria provided, single submitter. Criteria: Ambry Variant Classification Scheme 2023. Collection method: clinical testing. Allele origin: germline.

GeneDx
Classification: Uncertain significance. Last evaluated: 2024-04-24. Review status: criteria provided, single submitter. Criteria: GeneDx Variant Classification Process June 2021. Collection method: clinical testing. Allele origin: germline. Affected: yes.
Comment: Not observed at significant frequency in large population cohorts (gnomAD); In silico analysis supports that this missense variant has a deleterious effect on protein structure/function; Has not been previously published as pathogenic or benign to our knowledge

NM_003632.3(CNTNAP1):c.2662C>T (p.Arg888Trp)

Gene: CNTNAP1 (contactin associated protein 1; plus strand). Cytogenetic location: 17q21.2.
Variant type: single nucleotide variant.
Coding change: c.2662C>T on transcript NM_003632.3 (MANE Select); coding-DNA position 2662, C replaced by T.
Protein change: p.Arg888Trp; replaces arginine 888 with tryptophan.
Molecular consequence: missense variant.
Genome position (GRCh38, 1-based): chr17:42,692,630, C>T. VCF-style: chr17-42692630-C-T. GRCh37 (hg19) VCF-style: chr17-40844648-C-T.
Other names: p.Arg888Trp; short protein forms R888W.
Identifiers: ClinVar variation 3372988 (VCV003372988.3).